The following is an entry in ClinVar:

ClinVar aggregate classification (germline): Uncertain significance (1 of 4 stars; one submission).

Allele frequency attached by ClinVar (database versions not stated): ExAC 0.00001; gnomAD exomes 0.00001.
gnomAD v4.1: 11 of 1,614,118 alleles (0.00068%); highest among the groups gnomAD compares: East Asian, 0.0067%; no homozygotes.

Submission:

Labcorp Genetics (formerly Invitae), Labcorp
Classification: Uncertain significance. Last evaluated: 2022-07-06. Review status: criteria provided, single submitter. Criteria: Invitae Variant Classification Sherloc (09022015). Collection method: clinical testing. Allele origin: germline.
Comment: This sequence change replaces arginine, which is basic and polar, with glutamine, which is neutral and polar, at codon 134 of the ERCC6 protein (p.Arg134Gln). This variant is present in population databases (rs766891583, gnomAD 0.007%). This variant has not been reported in the literature in individuals affected with ERCC6-related conditions. Algorithms developed to predict the effect of missense changes on protein structure and function output the following: SIFT: "Tolerated"; PolyPhen-2: "Benign"; Align-GVGD: "Class C0". The glutamine amino acid residue is found in multiple mammalian species, which suggests that this missense change does not adversely affect protein function. In summary, the available evidence is currently insufficient to determine the role of this variant in disease. Therefore, it has been classified as a Variant of Uncertain Significance.

NM_000124.4(ERCC6):c.401G>A (p.Arg134Gln)

Gene: ERCC6 (ERCC excision repair 6, chromatin remodeling factor; minus strand). Cytogenetic location: 10q11.23.
Variant type: single nucleotide variant.
Coding change: c.401G>A on transcript NM_000124.4 (MANE Select); coding-DNA position 401, G replaced by A.
Protein change: p.Arg134Gln; replaces arginine 134 with glutamine.
Molecular consequence: missense variant.
Genome position (GRCh38, 1-based): chr10:49,532,564, C>T on the plus strand (G>A on the coding strand, the complement: ERCC6 is on the minus strand). VCF-style: chr10-49532564-C-T. GRCh37 (hg19) VCF-style: chr10-50740610-C-T.
Other names: c.401G>A, p.Arg134Gln (NM_001277058.2, NM_001277059.2, NM_001346440.2); short protein forms R134Q.
Identifiers: ClinVar variation 2199487 (VCV002199487.1), dbSNP rs766891583, ClinGen allele CA5496558.
Genomic context (GRCh38, chr10:49,532,564, plus strand): 5'-TACCACCACTTTGAAAGGAAGAAGATGGGCTGCACTCACGTGAGGTCATCCAGGACCGAC[C>T]GATACTCCTTCTCCACGTCAACGAGCTGGGAGGCACGGCTGGCCTCATGGATGGCATTGT-3'
Protein context (NP_000115.1, residues 124-144): SQLVDVEKEY[Arg134Gln]SVLDDLTSCT